The following is an entry in ClinVar:

ClinVar aggregate classification (germline): Uncertain significance (1 of 4 stars; one submission).

Allele frequency attached by ClinVar (database versions not stated): TOPMed below 0.00001.

Submission:

Labcorp Genetics (formerly Invitae), Labcorp
Classification: Uncertain significance. Last evaluated: 2021-08-12. Review status: criteria provided, single submitter. Criteria: Invitae Variant Classification Sherloc (09022015). Collection method: clinical testing. Allele origin: germline.
Comment: This sequence change replaces methionine with threonine at codon 606 of the RINT1 protein (p.Met606Thr). The methionine residue is highly conserved and there is a moderate physicochemical difference between methionine and threonine. This variant is not present in population databases (ExAC no frequency). This variant has not been reported in the literature in individuals with RINT1-related conditions. Algorithms developed to predict the effect of missense changes on protein structure and function are either unavailable or do not agree on the potential impact of this missense change (SIFT: "Deleterious"; PolyPhen-2: "Possibly Damaging"; Align-GVGD: "Class C0"). In summary, the available evidence is currently insufficient to determine the role of this variant in disease. Therefore, it has been classified as a Variant of Uncertain Significance.

NM_021930.6(RINT1):c.1817T>C (p.Met606Thr)

Gene: RINT1 (RAD50 interactor 1; plus strand). Cytogenetic location: 7q22.3.
Variant type: single nucleotide variant.
Coding change: c.1817T>C on transcript NM_021930.6 (MANE Select); coding-DNA position 1817, T replaced by C.
Protein change: p.Met606Thr; replaces methionine 606 with threonine.
Molecular consequence: missense variant. On other transcripts: non-coding transcript variant (1).
Genome position (GRCh38, 1-based): chr7:105,563,878, T>C. VCF-style: chr7-105563878-T-C. GRCh37 (hg19) VCF-style: chr7-105204325-T-C.
Other names: c.1583T>C, p.Met528Thr (NM_001346599.2); c.794T>C, p.Met265Thr (NM_001346600.2, NM_001346603.2); c.893T>C, p.Met298Thr (NM_001346601.2); short protein forms M265T, M298T, M528T, M606T.
Identifiers: ClinVar variation 1011262 (VCV001011262.9), dbSNP rs1309054871, ClinGen allele CA368814047.